The following is an entry in ClinVar:

ClinVar aggregate classification (germline): Conflicting classifications of pathogenicity. Review status: criteria provided, conflicting classifications (1 of 4 stars). 12 submissions from 12 submitters: Uncertain significance (5); Benign (2); Likely benign (5). Last evaluated 2026-08-26.

Conditions:
TTN-related disorder. Also called: TTN-related condition; TTN-related disease; TTN-related disorders.
Cardiovascular phenotype. Identifiers: MedGen CN230736.
Autosomal recessive limb-girdle muscular dystrophy type 2J (LGMDR10). Also called: Limb-girdle muscular dystrophy, type 2J; MUSCULAR DYSTROPHY, LIMB-GIRDLE, AUTOSOMAL RECESSIVE 10. Identifiers: Orphanet 140922, MedGen C1837342, MONDO:0012127, OMIM 608807.
Dilated cardiomyopathy 1G (CMD1G). Identifiers: Orphanet 154, MedGen C1858763, MONDO:0011400, OMIM 604145.
Cardiomyopathy (CMYO). Also called: Cardiomyopathies. Identifiers: Orphanet 167848, MedGen C0878544, MONDO:0004994, HP:0001638. Inheritance: Various modes of inheritance.

Allele frequency attached by ClinVar (database versions not stated): ExAC 0.00009; gnomAD exomes 0.00013; gnomAD 0.00046; ESP Exome Variant Server 0.00050; TOPMed 0.00061; 1000 Genomes Project 0.00100; 1000 Genomes Project 30x 0.00109.
gnomAD v4.1: 293 of 1,613,576 alleles (0.018%); highest among the groups gnomAD compares: African/African-American, 0.16%; no homozygotes.

Submissions (12):

PreventionGenetics, part of Exact Sciences
Classification: Uncertain significance for TTN-related condition. Last evaluated: 2026-08-26. Review status: criteria provided, single submitter. Criteria: ACMG Guidelines, 2015. Collection method: clinical testing. Allele origin: germline.
Comment: The TTN c.88028G>A variant is predicted to result in the amino acid substitution p.Arg29343His. To our knowledge, this variant has not been reported in the literature in individuals with TTN-related disorders. This variant is reported in 0.12% of alleles in individuals of African descent in gnomAD. Although we suspect that this variant may be benign, at this time, the clinical significance of this variant is uncertain due to the absence of conclusive functional and genetic evidence.

Women's Health and Genetics/Laboratory Corporation of America, LabCorp
Classification: Likely benign. Last evaluated: 2025-12-12. Review status: criteria provided, single submitter. Criteria: LabCorp Variant Classification Summary - May 2015. Collection method: clinical testing. Allele origin: germline.
Comment: Variant summary: TTN c.80324G>A (p.Arg26775His) results in a non-conservative amino acid change in the encoded protein sequence. Algorithms developed to predict the effect of missense changes on protein structure and function are either unavailable or do not agree on the potential impact of this missense change. The variant allele was found at a frequency of 0.00013 in 247548 control chromosomes, predominantly at a frequency of 0.0013 within the African or African-American subpopulation in the gnomAD database. The observed variant frequency within African or African-American control individuals in the gnomAD database exceeds the estimated maximal expected allele frequency for disease-causing variants in TTN. To our knowledge, no occurrence of c.80324G>A in individuals affected with TTN-related conditions and no experimental evidence demonstrating its impact on protein function have been reported. ClinVar contains an entry for this variant (Variation ID: 47472). Based on the evidence outlined above, the variant was classified as likely benign.

Athena Diagnostics
Classification: Likely benign. Last evaluated: 2025-03-13. Review status: criteria provided, single submitter. Criteria: Athena Diagnostics Criteria. Collection method: clinical testing. Allele origin: unknown.
Comment: The frequency of this variant in the general population is higher than would generally be expected for pathogenic variants in this gene.

Revvity Omics, Revvity
Classification: Uncertain significance. Last evaluated: 2025-02-02. Review status: criteria provided, single submitter. Criteria: ACMG Guidelines, 2015. Collection method: clinical testing. Allele origin: germline.

Blueprint Genetics
Classification: Likely benign. Last evaluated: 2024-08-21. Review status: criteria provided, single submitter. Criteria: ACMG Guidelines, 2015. Collection method: clinical testing. Allele origin: germline.

GeneDx
Classification: Likely benign. Last evaluated: 2021-03-03. Review status: criteria provided, single submitter. Criteria: GeneDx Variant Classification Process June 2021. Collection method: clinical testing. Allele origin: germline. Affected: yes.

Ambry Genetics
Classification: Likely benign for Cardiovascular phenotype. Last evaluated: 2020-06-01. Review status: criteria provided, single submitter. Criteria: Ambry Variant Classification Scheme 2023. Collection method: clinical testing. Allele origin: germline.

CHEO Genetics Diagnostic Laboratory, Children's Hospital of Eastern Ontario
Classification: Benign for Cardiomyopathy. Last evaluated: 2019-11-26. Review status: criteria provided, single submitter. Criteria: ACMG Guidelines, 2015. Collection method: clinical testing. Allele origin: germline.

Laboratory for Molecular Medicine, Mass General Brigham Personalized Medicine
Classification: Benign. Last evaluated: 2018-10-10. Review status: criteria provided, single submitter. Criteria: LMM Criteria. Collection method: clinical testing. Allele origin: germline. Observed: 2 variant alleles.
Comment: The p.Arg26775His variant in TTN is classified as benign because it has been ide ntified in 0.1% (29/23976) of African chromosomes by gnomAD. ACMG/AMP Criteria applied: BA1.

Labcorp Genetics (formerly Invitae), Labcorp
Classification: Uncertain significance for Dilated cardiomyopathy 1G; Autosomal recessive limb-girdle muscular dystrophy type 2J. Last evaluated: 2017-11-06. Review status: criteria provided, single submitter. Criteria: Invitae Variant Classification Sherloc (09022015). Collection method: clinical testing. Allele origin: germline.

Eurofins Ntd Llc (ga)
Classification: Uncertain significance. Last evaluated: 2017-02-28. Review status: criteria provided, single submitter. Criteria: EGL Classification Definitions 2015. Collection method: clinical testing. Allele origin: germline. Observed: 1 variant allele, 1 heterozygote.

Genetic Services Laboratory, University of Chicago
Classification: Uncertain significance. Last evaluated: 2014-03-13. Review status: criteria provided, single submitter. Criteria: ACMG Guidelines, 2007. Collection method: clinical testing. Allele origin: germline.

NM_001267550.2(TTN):c.88028G>A (p.Arg29343His)

Genes: TTN (titin; minus strand), TTN-AS1 (TTN antisense RNA 1; plus strand). Cytogenetic location: 2q31.2.
Variant type: single nucleotide variant.
Coding change: c.88028G>A on transcript NM_001267550.2 (MANE Select); coding-DNA position 88028, G replaced by A.
Protein change: p.Arg29343His; replaces arginine 29343 with histidine.
Molecular consequence: missense variant.
Genome position (GRCh38, 1-based): chr2:178,557,126, C>T on the plus strand (G>A on the coding strand, the complement: TTN is on the minus strand). VCF-style: chr2-178557126-C-T. GRCh37 (hg19) VCF-style: chr2-179421853-C-T.
Other names: p.R27702H:CGT>CAT; c.83105G>A, p.Arg27702His (NM_001256850.1); c.80324G>A, p.Arg26775His (NM_133378.4); c.60833G>A, p.Arg20278His (NM_003319.4); c.61208G>A, p.Arg20403His (NM_133432.3); c.61409G>A, p.Arg20470His (NM_133437.4); c.88028G>A (NM_001267550.1); short protein forms R29343H, R26775H, R27702H, R20278H, R20403H, R20470H.
Identifiers: ClinVar variation 47472 (VCV000047472.29), dbSNP rs73036368, ClinGen allele CA141113.
Genomic context (GRCh38, chr2:178,557,126, plus strand): 5'-CCATCGAAAGCTGGTTGTTGCCATGAAAGGCTGACAGAGTTCTTTGAAATATCAGTGATA[C>T]GAACATTTCTTGGGGGTTCTGTGGTAATAAGAGAAGCAGATTAGCGGCACTTATAATATT-3'
Protein context (NP_001254479.2, residues 29333-29353): IDACEPPRNV[Arg29343His]ITDISKNSVS